The following is an entry in ClinVar:

NM_138576.4(BCL11B):c.1201T>G (p.Ser401Ala)

Gene: BCL11B (BCL11 transcription factor B; minus strand). Cytogenetic location: 14q32.2.
Variant type: single nucleotide variant.
Coding change: c.1201T>G on transcript NM_138576.4 (MANE Select); coding-DNA position 1201, T replaced by G.
Protein change: p.Ser401Ala; replaces serine 401 with alanine.
Molecular consequence: missense variant.
Genome position (GRCh38, 1-based): chr14:99,175,635, A>C on the plus strand (T>G on the coding strand, the complement: BCL11B is on the minus strand). VCF-style: chr14-99175635-A-C. GRCh37 (hg19) VCF-style: chr14-99641972-A-C.
Other names: c.1198T>G, p.Ser400Ala (NM_001282237.2); c.985T>G, p.Ser329Ala (NM_001282238.2); c.988T>G, p.Ser330Ala (NM_022898.3); short protein forms S329A, S330A, S400A, S401A.
Identifiers: ClinVar variation 2644504 (VCV002644504.24), dbSNP rs768050501, ClinGen allele CA390935898.

ClinVar aggregate classification (germline): Uncertain significance (1 of 4 stars; one submission).

gnomAD v4.1: 1 of 1,558,340 alleles (0.000064%); highest among the groups gnomAD compares: Non-Finnish European, 0.000086%; no homozygotes.

Submission:

CeGaT Center for Human Genetics Tuebingen
Classification: Uncertain significance. Last evaluated: 2023-06-01. Review status: criteria provided, single submitter. Criteria: CeGaT Center For Human Genetics Tuebingen Variant Classification Criteria Version 2. Collection method: clinical testing. Allele origin: germline. Affected: yes. Observed: 1 variant allele.
Comment: BCL11B: PM2, PP2